The following is an entry in ClinVar:

NM_005618.4(DLL1):c.1443del (p.Val482fs)

Gene: DLL1 (delta like canonical Notch ligand 1; minus strand). Cytogenetic location: 6q27.
Variant type: Deletion.
Coding change: c.1443del on transcript NM_005618.4 (MANE Select); coding-DNA position 1443, one base deleted (C; older notation c.1443delC).
Protein change: p.Val482fs; shifts the reading frame from valine 482.
Molecular consequence: frameshift variant.
Genome position (GRCh38, 1-based): chr6:170,283,836, G deleted on the plus strand (C on the coding strand, the reverse complement: DLL1 is on the minus strand); the first of 5 consecutive G bases (chr6:170,283,836-170,283,840); deleting any one gives the same sequence. VCF-style (leftmost placement, unchanged base first): chr6-170283835-CG-C. GRCh37 (hg19) VCF-style: chr6-170592923-CG-C.
Other names: short protein forms V482fs.
Identifiers: ClinVar variation 2572294 (VCV002572294.1), dbSNP rs2483347423, ClinGen allele CA2580615823.
Genomic context (GRCh38, chr6:170,283,835, plus strand): 5'-GGTGGCCCCTCTCGTGGCAGGTGGCCCCATTGTGGCAGGGTGCGTGCTCGCACCTGCTGA[CG>C]GGGGCACTGCAGTTCCTGCCCGTGTAGCCAGGCGGGCAGGTGCAGGAGAAGTCGTTCACG-3'

ClinVar aggregate classification (germline): Likely pathogenic (1 of 4 stars; one submission).

Conditions:
Neurodevelopmental disorder with nonspecific brain abnormalities and with or without seizures. Identifiers: MedGen C5231470, MONDO:0032877, OMIM 618709.

Submission:

Greenwood Genetic Center Diagnostic Laboratories, Greenwood Genetic Center
Classification: Likely pathogenic for Neurodevelopmental disorder with nonspecific brain abnormalities and with or without seizures. Last evaluated: 2023-04-07. Review status: criteria provided, single submitter. Criteria: ACMG Guidelines, 2015. Collection method: clinical testing. Allele origin: germline. Affected: yes.
Comment: PVS1, PM2